The following is an entry in ClinVar:

NM_001323289.2(CDKL5):c.592G>C (p.Gly198Arg)

Gene: CDKL5 (cyclin dependent kinase like 5; plus strand). Cytogenetic location: Xp22.13.
Variant type: single nucleotide variant.
Coding change: c.592G>C on transcript NM_001323289.2 (MANE Select); coding-DNA position 592, G replaced by C.
Protein change: p.Gly198Arg; replaces glycine 198 with arginine.
Molecular consequence: missense variant.
Genome position (GRCh38, 1-based): chrX:18,587,991, G>C. VCF-style: chrX-18587991-G-C. GRCh37 (hg19) VCF-style: chrX-18606111-G-C.
Other names: NM_003159.3:c.592G>C; c.592G>C, p.Gly198Arg (NM_001037343.2, NM_003159.3); short protein forms G198R.
Identifiers: ClinVar variation 3775036 (VCV003775036.1).
Genomic context (GRCh38, chrX:18,587,991, plus strand): 5'-TAATCTCTTCCTTTATTTTTCAGCGCTCCCTATGGAAAGTCCGTGGACATGTGGTCGGTG[G>C]GCTGTATTCTTGGGGAGCTTAGCGATGGACAGCCTTTATTTCCTGGAGAAAGTGAAATTG-3'
Protein context (NP_001310218.1, residues 188-208): YGKSVDMWSV[Gly198Arg]CILGELSDGQ

ClinVar aggregate classification (germline): Uncertain significance (3 of 4 stars; one submission).

Conditions:
CDKL5 disorder. Identifiers: MedGen CN296942, MONDO:0100039.

Submission:

ClinGen Rett and Angelman-like Disorders Variant Curation Expert Panel
Classification: Uncertain significance for CDKL5 disorder. Last evaluated: 2025-02-28. Review status: reviewed by expert panel. Criteria: ClinGen RettAS ACMG Specifications CDKL5 V3.0.0. Collection method: curation. Allele origin: germline. Inheritance: X-linked inheritance.
Comment: The c.592G>C (p.Gly198Arg) variant has been reported in 1 proband meeting the CDKL5 disorder phenotypic spectrum, but not meeting the specificity required for PP4 (PP4_not_met). PS4_Supporting cannot be applied because additional observations are required (CDKL5 registry) (PS4_Supporting_not_met). The computational predictor REVEL gives a score of 0.882, which is above the threshold of 0.75, evidence that correlates with impact to CDKL5 function (PP3). The p.Gly198Arg variant in CDKL5 is absent from gnomAD v4.1 (PM2_Supporting). In summary, this variant meets the criteria to be classified as a variant of uncertain significance for CDKL5 disorder based on the ACMG/AMP criteria applied, as specified by the ClinGen Rett and Angelman-like disorders VCEP: (PP3, PM2_supporting) (CDKL5 specifications version 3.0; 02/28/2025).